The following is an entry in ClinVar:

NM_001166108.2(PALLD):c.2747A>G (p.Asp916Gly)

Genes: CBR4 (carbonyl reductase 4; minus strand), PALLD (palladin, cytoskeletal associated protein; plus strand). Cytogenetic location: 4q32.3.
Variant type: single nucleotide variant.
Coding change: c.2747A>G on transcript NM_001166108.2 (MANE Select); coding-DNA position 2747, A replaced by G.
Protein change: p.Asp916Gly; replaces aspartic acid 916 with glycine.
Molecular consequence: missense variant.
Genome position (GRCh38, 1-based): chr4:168,915,924, A>G. VCF-style: chr4-168915924-A-G. GRCh37 (hg19) VCF-style: chr4-169837075-A-G.
Other names: c.1550A>G, p.Asp517Gly (NM_001166109.2); c.1235A>G, p.Asp412Gly (NM_001166110.2); c.575A>G, p.Asp192Gly (NM_001367567.1, NM_001367569.1); c.626A>G, p.Asp209Gly (NM_001367568.1, NM_001367570.1); c.2696A>G, p.Asp899Gly (NM_016081.4); short protein forms D209G, D192G, D412G, D899G, D916G, D517G.
Identifiers: ClinVar variation 2980037 (VCV002980037.3), dbSNP rs2534078139, ClinGen allele CA358706534.

ClinVar aggregate classification (germline): Uncertain significance (1 of 4 stars; one submission).

Conditions:
Pancreatic adenocarcinoma. Identifiers: MedGen C0281361, MONDO:0006047, HP:0006725.

Submission:

Labcorp Genetics (formerly Invitae), Labcorp
Classification: Uncertain significance for Pancreatic adenocarcinoma. Last evaluated: 2023-05-29. Review status: criteria provided, single submitter. Criteria: Invitae Variant Classification Sherloc (09022015). Collection method: clinical testing. Allele origin: germline.
Comment: In summary, the available evidence is currently insufficient to determine the role of this variant in disease. Therefore, it has been classified as a Variant of Uncertain Significance. An algorithm developed to predict the effect of missense changes on protein structure and function (PolyPhen-2) suggests that this variant is likely to be tolerated. This variant has not been reported in the literature in individuals affected with PALLD-related conditions. This variant is not present in population databases (gnomAD no frequency). This sequence change replaces aspartic acid, which is acidic and polar, with glycine, which is neutral and non-polar, at codon 412 of the PALLD protein (p.Asp412Gly).